The following is an entry in ClinVar:

NM_001904.4(CTNNB1):c.2238_2242delinsCACCC (p.Asp747_Tyr748delinsThrHis)

Gene: CTNNB1 (catenin beta 1; plus strand). Cytogenetic location: 3p22.1.
Variant type: Indel.
Coding change: c.2238_2242delinsCACCC on transcript NM_001904.4 (MANE Select); coding-DNA positions 2238 to 2242, TGACT replaced by CACCC.
Protein change: p.Asp747_Tyr748delinsThrHis.
Molecular consequence: missense variant. On other transcripts: intron variant (2).
Genome position (GRCh38, 1-based): chr3:41,239,234-41,239,238, TGACT replaced by CACCC. VCF-style: chr3-41239234-TGACT-CACCC. GRCh37 (hg19) VCF-style: chr3-41280725-TGACT-CACCC.
Other names: c.2238_2242delinsCACCC, p.Asp747_Tyr748delinsThrHis (NM_001098209.2, NM_001098210.2, NM_001438871.1 and 2 more transcripts); c.2217_2221delinsCACCC, p.Asp740_Tyr741delinsThrHis (NM_001330729.2); c.2077-426_2077-422delinsCACCC (NM_001438874.1, NM_001438875.1).
Identifiers: ClinVar variation 4974568 (VCV004974568.1).

ClinVar aggregate classification (germline): Uncertain significance (1 of 4 stars; one submission).

Conditions:
Pilomatrixoma (PTR). Also called: EPITHELIOMA CALCIFICANS OF MALHERBE; PILOMATRICOMA; Pilomatricoma, somatic. Identifiers: Orphanet 91414, MedGen C0206711, MeSH D018296, MONDO:0007564, OMIM 132600, HP:0030434.

Submission:

Clinical Genomics Laboratory, Washington University in St. Louis
Classification: Uncertain significance for Pilomatrixoma. Last evaluated: 2026-02-27. Review status: criteria provided, single submitter. Criteria: Leon-Quintero et al. (Clin Genet. 2025). Collection method: clinical testing. Allele origin: somatic.
Comment: A CTNNB1 c.2238_2242delinsCACCC (p.Asp747_Tyr748delinsThrHis) variant was identified at an allelic fraction consistent with somatic origin. This variant, to our knowledge, has not been reported in the medical literature or the ClinVar database. It is absent from the general population (gnomAD v4.1.0), indicating it is not a common variant. Due to limited information, and based on internally developed protocol informed by the ACMG/AMP guidelines for variant interpretation and gene-specific practices from the ClinGen Criteria Specification Registry (Leon-Quintero FZ et al., PMID: 39434542), the clinical significance of the CTNNB1 c.2238_2242delinsCACCC (p.Asp747_Tyr748delinsThrHis) is uncertain at this time.